The following is an entry in ClinVar:

ClinVar aggregate classification (germline): Pathogenic (1 of 4 stars; one submission).

Conditions:
Familial cancer of breast. Also called: hereditary breast carcinoma; BREAST CANCER, FAMILIAL; Hereditary breast cancer. Identifiers: Orphanet 227535, MedGen C0346153, MONDO:0016419, OMIM 114480. Disease mechanism: loss of function.

Submission:

Labcorp Genetics (formerly Invitae), Labcorp
Classification: Pathogenic for Familial cancer of breast. Last evaluated: 2023-09-03. Review status: criteria provided, single submitter. Criteria: Invitae Variant Classification Sherloc (09022015). Collection method: clinical testing. Allele origin: germline.
Comment: This sequence change creates a premature translational stop signal (p.Ser461Metfs*24) in the PALB2 gene. It is expected to result in an absent or disrupted protein product. Loss-of-function variants in PALB2 are known to be pathogenic (PMID: 17200668, 17200671, 17200672, 24136930, 25099575). This variant is not present in population databases (gnomAD no frequency). This variant has not been reported in the literature in individuals affected with PALB2-related conditions. For these reasons, this variant has been classified as Pathogenic.

Literature cited by the submitters: PubMed 17200668; PubMed 17200671; PubMed 17200672; PubMed 24136930; PubMed 25099575.

NM_024675.4(PALB2):c.1382del (p.Ser461fs)

Gene: PALB2 (partner and localizer of BRCA2; minus strand). Cytogenetic location: 16p12.2.
Variant type: Deletion.
Coding change: c.1382del on transcript NM_024675.4 (MANE Select); coding-DNA position 1382, one base deleted (G; older notation c.1382delG).
Protein change: p.Ser461fs; shifts the reading frame from serine 461.
Molecular consequence: frameshift variant. On other transcripts: intron variant (3).
Genome position (GRCh38, 1-based): chr16:23,635,164, C deleted on the plus strand (G on the coding strand, the reverse complement: PALB2 is on the minus strand). VCF-style (leftmost placement, unchanged base first): chr16-23635163-AC-A. GRCh37 (hg19) VCF-style: chr16-23646484-AC-A.
Other names: c.1322del, p.Ser441fs (NM_001407296.1); c.1382del, p.Ser461fs (NM_001407297.1, NM_001407298.1, NM_001407299.1 and 3 more transcripts); c.497del, p.Ser166fs (NM_001407304.1, NM_001407305.1, NM_001407306.1 and 5 more transcripts); c.49-5889del (NM_001407314.1); c.-104-4695del (NM_001407313.1, NM_001407312.1); short protein forms S166fs, S441fs, S461fs.
Identifiers: ClinVar variation 2839326 (VCV002839326.3), dbSNP rs2506479564, ClinGen allele CA2739266683.